The following is an entry in ClinVar:

ClinVar aggregate classification (germline): Likely benign (0 of 4 stars; one submission).

Conditions:
PLXNA3-related disorder. Also called: PLXNA3-related condition.

gnomAD v4.1: 1 of 1,178,867 alleles (0.000085%); highest among the groups gnomAD compares: Admixed American, 0.0023%; no homozygotes.

Submission:

PreventionGenetics, part of Exact Sciences
Classification: Likely benign for PLXNA3-related condition. Last evaluated: 2024-02-29. Review status: no assertion criteria provided. Collection method: clinical testing. Allele origin: germline.
Comment: This variant is classified as likely benign based on ACMG/AMP sequence variant interpretation guidelines (Richards et al. 2015 PMID: 25741868, with internal and published modifications).

NM_017514.5(PLXNA3):c.3963+6C>T

Gene: PLXNA3 (plexin A3; plus strand). Cytogenetic location: Xq28.
Variant type: single nucleotide variant.
Coding change: c.3963+6C>T on transcript NM_017514.5 (MANE Select); 6 bases into the intron after coding-DNA position 3963, C replaced by T.
Molecular consequence: intron variant.
Genome position (GRCh38, 1-based): chrX:154,468,230, C>T. VCF-style: chrX-154468230-C-T. GRCh37 (hg19) VCF-style: chrX-153696573-C-T.
Identifiers: ClinVar variation 3356003 (VCV003356003.1).
Genomic context (GRCh38, chrX:154,468,230, plus strand): 5'-CGTGCGCGTGCTCTTCCCGGGCATCGAGGCCCACCCGGTGCTCAAGGAGCTGGATGTGAG[C>T]CTCTGCCTGGCCTGCCCCCCACCATTCCCTTCAGGGCCGCCCCCACCCTCTGAGACCTCC-3'